The following is an entry in ClinVar:

NM_000143.4(FH):c.1347G>A (p.Met449Ile)

Gene: FH (fumarate hydratase; minus strand). Cytogenetic location: 1q43.
Variant type: single nucleotide variant.
Coding change: c.1347G>A on transcript NM_000143.4 (MANE Select); coding-DNA position 1347, G replaced by A.
Protein change: p.Met449Ile; replaces methionine 449 with isoleucine.
Molecular consequence: missense variant.
Genome position (GRCh38, 1-based): chr1:241,500,480, C>T on the plus strand (G>A on the coding strand, the complement: FH is on the minus strand). VCF-style: chr1-241500480-C-T. GRCh37 (hg19) VCF-style: chr1-241663780-C-T.
Other names: short protein forms M449I.
Identifiers: ClinVar variation 1310008 (VCV001310008.7), dbSNP rs376502356, ClinGen allele CA40327539.

ClinVar aggregate classification (germline): Uncertain significance. Review status: criteria provided, multiple submitters, no conflicts (2 of 4 stars). 3 submissions from 3 submitters: Uncertain significance (3). Last evaluated 2024-02-27.

Conditions:
Hereditary cancer-predisposing syndrome. Also called: Tumor predisposition; Neoplastic Syndromes, Hereditary; Hereditary Cancer Syndrome; Hereditary neoplastic syndrome. Identifiers: Orphanet 140162, MedGen C0027672, MeSH D009386, MONDO:0015356.

gnomAD v4.1: 8 of 1,614,016 alleles (0.0005%); highest among the groups gnomAD compares: Admixed American, 0.0017%; no homozygotes.

Submissions (3):

Ambry Genetics
Classification: Uncertain significance for Hereditary cancer-predisposing syndrome. Last evaluated: 2024-02-27. Review status: criteria provided, single submitter. Criteria: Ambry Variant Classification Scheme 2023. Collection method: clinical testing. Allele origin: germline.
Comment: The p.M449I variant (also known as c.1347G>A), located in coding exon 9 of the FH gene, results from a G to A substitution at nucleotide position 1347. The methionine at codon 449 is replaced by isoleucine, an amino acid with highly similar properties. This amino acid position is conserved. In addition, this alteration is predicted to be deleterious by in silico analysis. Based on the available evidence, the clinical significance of this alteration remains unclear.

Labcorp Genetics (formerly Invitae), Labcorp
Classification: Uncertain significance. Last evaluated: 2023-04-28. Review status: criteria provided, single submitter. Criteria: Invitae Variant Classification Sherloc (09022015). Collection method: clinical testing. Allele origin: germline.
Comment: In summary, the available evidence is currently insufficient to determine the role of this variant in disease. Therefore, it has been classified as a Variant of Uncertain Significance. Advanced modeling of protein sequence and biophysical properties (such as structural, functional, and spatial information, amino acid conservation, physicochemical variation, residue mobility, and thermodynamic stability) has been performed at Invitae for this missense variant, however the output from this modeling did not meet the statistical confidence thresholds required to predict the impact of this variant on FH protein function. ClinVar contains an entry for this variant (Variation ID: 1310008). This variant has not been reported in the literature in individuals affected with FH-related conditions. This variant is not present in population databases (gnomAD no frequency). This sequence change replaces methionine, which is neutral and non-polar, with isoleucine, which is neutral and non-polar, at codon 449 of the FH protein (p.Met449Ile).

GeneDx
Classification: Uncertain significance. Last evaluated: 2019-10-30. Review status: criteria provided, single submitter. Criteria: GeneDx Variant Classification Process June 2021. Collection method: clinical testing. Allele origin: germline. Affected: yes.
Comment: Not observed in large population cohorts (Lek 2016); In silico analysis, which includes protein predictors and evolutionary conservation, supports that this variant does not alter protein structure/function; Has not been previously published as pathogenic or benign to our knowledge